The following is an entry in ClinVar:

ClinVar aggregate classification (germline): Pathogenic (1 of 4 stars; one submission).

Submission:

Labcorp Genetics (formerly Invitae), Labcorp
Classification: Pathogenic. Last evaluated: 2024-01-17. Review status: criteria provided, single submitter. Criteria: Invitae Variant Classification Sherloc (09022015). Collection method: clinical testing. Allele origin: unknown.
Comment: This variant is a gross deletion of the genomic region encompassing exon(s) 1 of the OTOF gene, which includes the initiator codon. This deletion extends beyond the assayed region for this gene and therefore may encompass additional genes. It is expected to result in an absent or disrupted protein product. Loss-of-function variants in OTOF are known to be pathogenic (PMID: 18381613, 19250381, 22575033). This variant has not been reported in the literature in individuals affected with OTOF-related conditions. For these reasons, this variant has been classified as Pathogenic.

Literature cited by the submitters: PubMed 18381613; PubMed 19250381; PubMed 22575033.

NC_000002.11:g.(?_26781341)_(26781439_?)del

Gene: OTOF (otoferlin; minus strand). Cytogenetic location: 2p23.3.
Variant type: Deletion.
Identifiers: ClinVar variation 3247606 (VCV003247606.1).